The following is an entry in ClinVar:

ClinVar aggregate classification (germline): Benign/Likely benign. Review status: criteria provided, multiple submitters, no conflicts (2 of 4 stars). 4 submissions from 4 submitters: Benign (1); Likely benign (2). 1 of the submissions does not count toward it. Last evaluated 2023-12-01.

Conditions:
HECW2-related disorder. Also called: HECW2-related condition.
Inborn genetic diseases. Identifiers: MedGen C0950123, MeSH D030342.

Allele frequency attached by ClinVar (database versions not stated): 1000 Genomes Project 30x 0.00125; 1000 Genomes Project 0.00140; TOPMed 0.00215.
gnomAD v4.1: 495 of 1,600,668 alleles (0.031%); highest among the groups gnomAD compares: African/African-American, 0.58%; 1 homozygote.

Submissions (4):

CeGaT Center for Human Genetics Tuebingen
Classification: Likely benign. Last evaluated: 2023-12-01. Review status: criteria provided, single submitter. Criteria: CeGaT Center For Human Genetics Tuebingen Variant Classification Criteria Version 2. Collection method: clinical testing. Allele origin: germline. Affected: yes. Observed: 1 variant allele.
Comment: HECW2: BP4, BS1

Ambry Genetics
Classification: Likely benign for Inborn genetic diseases. Last evaluated: 2021-10-29. Review status: criteria provided, single submitter. Criteria: Ambry Variant Classification Scheme 2023. Collection method: clinical testing. Allele origin: germline.

Labcorp Genetics (formerly Invitae), Labcorp
Classification: Benign. Last evaluated: 2019-01-04. Review status: criteria provided, single submitter. Criteria: Invitae Variant Classification Sherloc (09022015). Collection method: clinical testing. Allele origin: germline.

PreventionGenetics, part of Exact Sciences
Classification: Benign for HECW2-related condition. Last evaluated: 2019-07-10. Review status: no assertion criteria provided. Collection method: clinical testing. Allele origin: germline. Not counted in ClinVar's aggregate classification.
Comment: This variant is classified as benign based on ACMG/AMP sequence variant interpretation guidelines (Richards et al. 2015 PMID: 25741868, with internal and published modifications).

NM_001348768.2(HECW2):c.2239G>C (p.Ala747Pro)

Gene: HECW2 (HECT, C2 and WW domain containing E3 ubiquitin protein ligase 2; minus strand). Cytogenetic location: 2q32.3.
Variant type: single nucleotide variant.
Coding change: c.2239G>C on transcript NM_001348768.2 (MANE Select); coding-DNA position 2239, G replaced by C.
Protein change: p.Ala747Pro; replaces alanine 747 with proline.
Molecular consequence: missense variant.
Genome position (GRCh38, 1-based): chr2:196,318,651, C>G on the plus strand (G>C on the coding strand, the complement: HECW2 is on the minus strand). VCF-style: chr2-196318651-C-G. GRCh37 (hg19) VCF-style: chr2-197183375-C-G.
Other names: c.2239G>C (NM_020760.1); c.1171G>C, p.Ala391Pro (NM_001304840.3); c.2239G>C, p.Ala747Pro (NM_020760.4); short protein forms A391P, A747P.
Identifiers: ClinVar variation 709367 (VCV000709367.29), dbSNP rs140320997, ClinGen allele CA2038159.
Genomic context (GRCh38, chr2:196,318,651, plus strand): 5'-AGGTGCCTTGGGCCTCCCCAGCACTGCCTTCTTCTTGCGGTGGGCTCTCGGCAGCAGCTG[C>G]AGCTCCCTCCAGGCTCCCCCTCCGCTGCCAGACCTCCCCCAGCTCCTCCTGGTCAGGTAC-3'
Protein context (NP_001335697.1, residues 737-757): WQRRGSLEGA[Ala747Pro]AAAESPPQEE